The following is an entry in ClinVar:

ClinVar aggregate classification (germline): Uncertain significance. Review status: criteria provided, multiple submitters, no conflicts (2 of 4 stars). 3 submissions from 3 submitters: Uncertain significance (3). Last evaluated 2025-09-12.

Conditions:
Familial thoracic aortic aneurysm and aortic dissection (TAAD). Also called: Thoracic aortic aneurysms and dissections. Identifiers: Orphanet 91387, MedGen C4707243, MONDO:0019625.

Allele frequency attached by ClinVar (database versions not stated): gnomAD 0.00001; gnomAD exomes 0.00001.
gnomAD v4.1: 8 of 1,613,840 alleles (0.0005%); highest among the groups gnomAD compares: Non-Finnish European, 0.00068%; no homozygotes.

Submissions (3):

Ambry Genetics
Classification: Uncertain significance for Familial thoracic aortic aneurysm and aortic dissection. Last evaluated: 2025-09-12. Review status: criteria provided, single submitter. Criteria: Ambry Variant Classification Scheme 2023. Collection method: clinical testing. Allele origin: germline.
Comment: The p.V56M variant (also known as c.166G>A), located in coding exon 2 of the ACTA2 gene, results from a G to A substitution at nucleotide position 166. The valine at codon 56 is replaced by methionine, an amino acid with highly similar properties. This variant was reported in individual(s) with features consistent with aortic aneurysm/dilation (Ambry internal data). This amino acid position is highly conserved in available vertebrate species. In addition, this alteration is predicted to be deleterious by in silico analysis. Based on the available evidence, the clinical significance of this variant remains unclear.

Color Diagnostics, LLC DBA Color Health
Classification: Uncertain significance for Familial thoracic aortic aneurysm and aortic dissection. Last evaluated: 2024-03-07. Review status: criteria provided, single submitter. Criteria: ACMG Guidelines, 2015. Collection method: clinical testing. Allele origin: germline.
Comment: This missense variant replaces valine with methionine at codon 56 of the ACTA2 protein. Computational prediction suggests that this variant may have deleterious impact on protein structure and function (internally defined REVEL score threshold >= 0.7, PMID: 27666373). To our knowledge, functional studies have not been reported for this variant. This variant has not been reported in individuals affected with cardiovascular disorders in the literature. This variant has not been identified in the general population by the Genome Aggregation Database (gnomAD). The available evidence is insufficient to determine the role of this variant in disease conclusively. Therefore, this variant is classified as a Variant of Uncertain Significance.

Blueprint Genetics
Classification: Uncertain significance. Last evaluated: 2021-05-11. Review status: criteria provided, single submitter. Criteria: ACMG Guidelines, 2015. Collection method: clinical testing. Allele origin: germline.

NM_001613.4(ACTA2):c.166G>A (p.Val56Met)

Gene: ACTA2 (actin alpha 2, smooth muscle; minus strand). Cytogenetic location: 10q23.31.
Variant type: single nucleotide variant.
Coding change: c.166G>A on transcript NM_001613.4 (MANE Select); coding-DNA position 166, G replaced by A.
Protein change: p.Val56Met; replaces valine 56 with methionine.
Molecular consequence: missense variant. On other transcripts: intron variant (3).
Genome position (GRCh38, 1-based): chr10:88,947,350, C>T on the plus strand (G>A on the coding strand, the complement: ACTA2 is on the minus strand). VCF-style: chr10-88947350-C-T. GRCh37 (hg19) VCF-style: chr10-90707107-C-T.
Other names: c.166G>A, p.Val56Met (NM_001141945.3, NM_001320855.2, NM_001406462.1 and 4 more transcripts); c.129+1452G>A (NM_001406467.1, NM_001406468.1, NM_001406469.1); short protein forms V56M.
Identifiers: ClinVar variation 2774787 (VCV002774787.5), dbSNP rs1845970585, ClinGen allele CA377513483.